The following is an entry in ClinVar:

ClinVar aggregate classification (germline): Likely benign. Review status: criteria provided, multiple submitters, no conflicts (2 of 4 stars). 2 submissions from 2 submitters: Likely benign (2). Last evaluated 2025-09-09.

Allele frequency attached by ClinVar (database versions not stated): gnomAD 0.00005 and 0.00006; gnomAD exomes 0.00005 and 0.00014; ExAC 0.00007; TOPMed 0.00008; ESP Exome Variant Server 0.00010.
gnomAD v4.1: 205 of 1,613,796 alleles (0.013%); highest among the groups gnomAD compares: Middle Eastern, 0.099%; no homozygotes.

Submissions (2):

Labcorp Genetics (formerly Invitae), Labcorp
Classification: Likely benign. Last evaluated: 2025-09-09. Review status: criteria provided, single submitter. Criteria: Invitae Variant Classification Sherloc (09022015). Collection method: clinical testing. Allele origin: germline.

CeGaT Center for Human Genetics Tuebingen
Classification: Likely benign. Last evaluated: 2023-04-01. Review status: criteria provided, single submitter. Criteria: CeGaT Center For Human Genetics Tuebingen Variant Classification Criteria Version 2. Collection method: clinical testing. Allele origin: germline. Affected: yes. Observed: 1 variant allele.
Comment: TCF3: BP4, BP7

NM_001136139.4(TCF3):c.1656C>T (p.Asn552=)

Gene: TCF3 (transcription factor 3; minus strand). Cytogenetic location: 19p13.3.
Variant type: single nucleotide variant.
Coding change: c.1656C>T on transcript NM_001136139.4 (MANE Plus Clinical); coding-DNA position 1656, C replaced by T.
Protein change: p.Asn552=; no amino-acid change (asparagine 552 retained).
Molecular consequence: synonymous variant. On other transcripts: intron variant (2).
Genome position (GRCh38, 1-based): chr19:1,612,364, G>A on the plus strand (C>T on the coding strand, the complement: TCF3 is on the minus strand). VCF-style: chr19-1612364-G-A. GRCh37 (hg19) VCF-style: chr19-1612363-G-A.
Other names: c.1656C>T, p.Asn552= (NM_001351779.2); c.1820-515C>T (NM_001351778.2); c.1823-515C>T (NM_003200.5).
Identifiers: ClinVar variation 1658265 (VCV001658265.32), dbSNP rs369324550, ClinGen allele CA9049592.
Genomic context (GRCh38, chr19:1,612,364, plus strand): 5'-CATGCGCCCCAGCTCCCGGAAGGCCTCGTTAATATCCCGCACGCGCACCCGCTCCCGCGC[G>A]TTATTGGCCATGCGCCTCTCCCGGTCCCTCAGGTCTTTCTCCTCCAGGGACAGCACCTCG-3'
Protein context (NP_001129611.1, residues 542-562): LRDRERRMAN[Asn552=]ARERVRVRDI